The following is an entry in ClinVar:

NM_005862.3(STAG1):c.1183C>T (p.Arg395Ter)

Gene: STAG1 (STAG1 cohesin complex component; minus strand). Cytogenetic location: 3q22.3.
Variant type: single nucleotide variant.
Coding change: c.1183C>T on transcript NM_005862.3 (MANE Select); coding-DNA position 1183, C replaced by T.
Protein change: p.Arg395Ter; replaces arginine 395 with a stop codon.
Molecular consequence: nonsense.
Genome position (GRCh38, 1-based): chr3:136,472,435, G>A on the plus strand (C>T on the coding strand, the complement: STAG1 is on the minus strand). VCF-style: chr3-136472435-G-A. GRCh37 (hg19) VCF-style: chr3-136191277-G-A.
Other names: short protein forms R395*.
Identifiers: ClinVar variation 4885656 (VCV004885656.3).

ClinVar aggregate classification (germline): Likely pathogenic. Review status: criteria provided, multiple submitters, no conflicts (2 of 4 stars). 2 submissions from 2 submitters: Likely pathogenic (2). Last evaluated 2025-09-06.

Conditions:
STAG1-related disorder. Also called: STAG1-related disorders.

Submissions (2):

Dasa
Classification: Likely pathogenic. Last evaluated: 2025-09-06. Review status: criteria provided, single submitter. Criteria: DASA Assertion Criteria. Collection method: clinical testing. Allele origin: germline.
Comment: NM_005862.3(STAG1):c.1183C>T (p.Arg395*) is a nonsense variant in STAG1 predicted to introduce a premature termination codon and is predicted to result in an absent or altered protein product. Loss of function is an established disease mechanism for STAG1 (PMID: 28119487; PMID: 30158690; PMID: 34440290). Also, this variant is absent from population databases. Based on the currently available evidence, this variant is classified as likely pathogenic.

Blueprint Genetics
Classification: Likely pathogenic for STAG1-related disorders. Last evaluated: 2021-10-04. Review status: criteria provided, single submitter. Criteria: ACMG Guidelines, 2015. Collection method: clinical testing. Allele origin: germline. Affected: yes. Observed: 1 variant allele.

Literature cited by the submitters: PubMed 28119487 (cited by Dasa); PubMed 30158690 (cited by Dasa); PubMed 34440290 (cited by Dasa).